The following is an entry in ClinVar:

ClinVar aggregate classification (germline): Uncertain significance (1 of 4 stars; one submission).

Submission:

Ambry Genetics
Classification: Uncertain significance. Last evaluated: 2024-11-23. Review status: criteria provided, single submitter. Criteria: Ambry Variant Classification Scheme 2023. Collection method: clinical testing. Allele origin: germline.
Comment: The p.G588R variant (also known as c.1762G>A), located in coding exon 18 of the SRP72 gene, results from a G to A substitution at nucleotide position 1762. The glycine at codon 588 is replaced by arginine, an amino acid with dissimilar properties. This amino acid position is conserved. In addition, the in silico prediction for this alteration is inconclusive. Based on the available evidence, the clinical significance of this variant remains unclear.

NM_006947.4(SRP72):c.1762G>A (p.Gly588Arg)

Gene: SRP72 (signal recognition particle 72; plus strand). Cytogenetic location: 4q12.
Variant type: single nucleotide variant.
Coding change: c.1762G>A on transcript NM_006947.4 (MANE Select); coding-DNA position 1762, G replaced by A.
Protein change: p.Gly588Arg; replaces glycine 588 with arginine.
Molecular consequence: missense variant. On other transcripts: non-coding transcript variant (1).
Genome position (GRCh38, 1-based): chr4:56,500,619, G>A. VCF-style: chr4-56500619-G-A. GRCh37 (hg19) VCF-style: chr4-57366785-G-A.
Other names: c.1579G>A, p.Gly527Arg (NM_001267722.2); short protein forms G588R, G527R.
Identifiers: ClinVar variation 3449401 (VCV003449401.1).